The following is an entry in ClinVar:

ClinVar aggregate classification (germline): Conflicting classifications of pathogenicity. Review status: criteria provided, conflicting classifications (1 of 4 stars). 6 submissions from 6 submitters: Uncertain significance (5); Likely benign (1). Last evaluated 2025-12-29.

Conditions:
Hereditary cancer-predisposing syndrome. Also called: Neoplastic Syndromes, Hereditary; Tumor predisposition; Hereditary Cancer Syndrome; Hereditary neoplastic syndrome. Identifiers: Orphanet 140162, MedGen C0027672, MeSH D009386, MONDO:0015356.
Gorlin syndrome. Also called: Nevoid Basal Cell Carcinoma Syndrome; Basal cell nevus syndrome. Identifiers: Orphanet 377, MedGen C0004779, MONDO:0007187.

Allele frequency attached by ClinVar (database versions not stated): TOPMed below 0.00001.
gnomAD v4.1: 11 of 1,613,910 alleles (0.00068%); highest among the groups gnomAD compares: Admixed American, 0.013%; 1 homozygote.

Submissions (6):

Center for Genomic Medicine, Rigshospitalet, Copenhagen University Hospital
Classification: Uncertain significance. Last evaluated: 2025-12-29. Review status: criteria provided, single submitter. Criteria: ACMG Guidelines, 2015. Collection method: clinical testing. Allele origin: germline.

Labcorp Genetics (formerly Invitae), Labcorp
Classification: Uncertain significance for Gorlin syndrome. Last evaluated: 2025-12-21. Review status: criteria provided, single submitter. Criteria: Invitae Variant Classification Sherloc (09022015). Collection method: clinical testing. Allele origin: germline.
Comment: This sequence change replaces arginine, which is basic and polar, with glycine, which is neutral and non-polar, at codon 982 of the PTCH1 protein (p.Arg982Gly). This variant is not present in population databases (gnomAD no frequency). This variant has not been reported in the literature in individuals affected with PTCH1-related conditions. ClinVar contains an entry for this variant (Variation ID: 858635). Invitae Evidence Modeling of protein sequence and biophysical properties (such as structural, functional, and spatial information, amino acid conservation, physicochemical variation, residue mobility, and thermodynamic stability) indicates that this missense variant is not expected to disrupt PTCH1 protein function with a negative predictive value of 95%. In summary, the available evidence is currently insufficient to determine the role of this variant in disease. Therefore, it has been classified as a Variant of Uncertain Significance.

Ambry Genetics
Classification: Uncertain significance for Hereditary cancer-predisposing syndrome. Last evaluated: 2025-07-10. Review status: criteria provided, single submitter. Criteria: Ambry Variant Classification Scheme 2023. Collection method: clinical testing. Allele origin: germline.
Comment: The p.R982G variant (also known as c.2944C>G), located in coding exon 18 of the PTCH1 gene, results from a C to G substitution at nucleotide position 2944. The arginine at codon 982 is replaced by glycine, an amino acid with dissimilar properties. This amino acid position is highly conserved in available vertebrate species. In addition, this alteration is predicted to be deleterious by in silico analysis. Based on the available evidence, the clinical significance of this variant remains unclear.

GeneDx
Classification: Uncertain significance. Last evaluated: 2024-09-04. Review status: criteria provided, single submitter. Criteria: GeneDx Variant Classification Process June 2021. Collection method: clinical testing. Allele origin: germline. Affected: yes.
Comment: Not observed at significant frequency in large population cohorts (gnomAD); In silico analysis supports that this missense variant has a deleterious effect on protein structure/function; Has not been previously published as pathogenic or benign to our knowledge; This variant is associated with the following publications: (PMID: 8906794)

Blueprint Genetics
Classification: Likely benign. Last evaluated: 2022-10-28. Review status: criteria provided, single submitter. Criteria: ACMG Guidelines, 2015. Collection method: clinical testing. Allele origin: germline.

Breakthrough Genomics
Classification: Uncertain significance. Review status: criteria provided, single submitter. Criteria: ACMG Guidelines, 2015. Collection method: not provided. Allele origin: germline. Inheritance: Autosomal recessive inheritance. Affected: yes.

NM_000264.5(PTCH1):c.2944C>G (p.Arg982Gly)

Gene: PTCH1 (patched 1; minus strand). Cytogenetic location: 9q22.32.
Variant type: single nucleotide variant.
Coding change: c.2944C>G on transcript NM_000264.5 (MANE Select); coding-DNA position 2944, C replaced by G.
Protein change: p.Arg982Gly; replaces arginine 982 with glycine.
Molecular consequence: missense variant. On other transcripts: non-coding transcript variant (1).
Genome position (GRCh38, 1-based): chr9:95,458,237, G>C on the plus strand (C>G on the coding strand, the complement: PTCH1 is on the minus strand). VCF-style: chr9-95458237-G-C. GRCh37 (hg19) VCF-style: chr9-98220519-G-C.
Other names: c.2746C>G, p.Arg916Gly (NM_001083602.3); c.2941C>G, p.Arg981Gly (NM_001083603.3); c.2491C>G, p.Arg831Gly (NM_001083604.3, NM_001083605.3, NM_001083606.3 and 1 more transcripts); c.2788C>G, p.Arg930Gly (NM_001354918.2); short protein forms R916G, R930G, R981G, R831G, R982G.
Identifiers: ClinVar variation 858635 (VCV000858635.13), dbSNP rs867973996, ClinGen allele CA374112730.
Genomic context (GRCh38, chr9:95,458,237, plus strand): 5'-TATAGTTGCTGCAGATGGTCCTTACTTTTTCAATTGCCTCCACAAAGTCTGAGGTGTCCC[G>C]CAAGCCGTTGAGGTAGAAAGGGAACTGGGCATACTCGATGGGCTCTGCTGCCGGGACTGG-3'
Protein context (NP_000255.2, residues 972-992): AQFPFYLNGL[Arg982Gly]DTSDFVEAIE